The following is an entry in ClinVar:

ClinVar aggregate classification (germline): Uncertain significance (1 of 4 stars; one submission).

Conditions:
Immunodeficiency 51 (IMD51). Also called: CANDIDIASIS, FAMILIAL, 5. Identifiers: Orphanet 1334, MedGen C4310803, MONDO:0013500, OMIM 613953.

Allele frequency attached by ClinVar (database versions not stated): gnomAD exomes 0.00002; ExAC 0.00003.
gnomAD v4.1: 11 of 1,594,874 alleles (0.00069%); highest among the groups gnomAD compares: South Asian, 0.012%; no homozygotes.

Submission:

Labcorp Genetics (formerly Invitae), Labcorp
Classification: Uncertain significance for Immunodeficiency 51. Last evaluated: 2019-05-18. Review status: criteria provided, single submitter. Criteria: Invitae Variant Classification Sherloc (09022015). Collection method: clinical testing. Allele origin: germline.
Comment: This variant is present in population databases (rs766645390, ExAC 0.02%). In summary, the available evidence is currently insufficient to determine the role of this variant in disease. Therefore, it has been classified as a Variant of Uncertain Significance. Algorithms developed to predict the effect of missense changes on protein structure and function output the following: SIFT: "Tolerated"; PolyPhen-2: "Benign"; Align-GVGD: "Class C0". The methionine amino acid residue is found in multiple mammalian species, suggesting that this missense change does not adversely affect protein function. These predictions have not been confirmed by published functional studies and their clinical significance is uncertain. This variant has not been reported in the literature in individuals with IL17RA-related conditions. This sequence change replaces valine with methionine at codon 605 of the IL17RA protein (p.Val605Met). The valine residue is moderately conserved and there is a small physicochemical difference between valine and methionine.

NM_014339.7(IL17RA):c.1813G>A (p.Val605Met)

Gene: IL17RA (interleukin 17 receptor A; plus strand). Cytogenetic location: 22q11.1.
Variant type: single nucleotide variant.
Coding change: c.1813G>A on transcript NM_014339.7 (MANE Select); coding-DNA position 1813, G replaced by A.
Protein change: p.Val605Met; replaces valine 605 with methionine.
Molecular consequence: missense variant.
Genome position (GRCh38, 1-based): chr22:17,109,032, G>A. VCF-style: chr22-17109032-G-A. GRCh37 (hg19) VCF-style: chr22-17589922-G-A.
Other names: c.1711G>A, p.Val571Met (NM_001289905.2); short protein forms V605M, V571M.
Identifiers: ClinVar variation 847884 (VCV000847884.9), dbSNP rs766645390, ClinGen allele CA10086857.